The following is an entry in ClinVar:

ClinVar aggregate classification (germline): Benign (1 of 4 stars; one submission).

Allele frequency attached by ClinVar (database versions not stated): gnomAD 0.08594 and 0.08651; TOPMed 0.09674; 1000 Genomes Project 0.14776; 1000 Genomes Project 30x 0.14834.
gnomAD v4.1: 13,109 of 152,158 alleles (8.6%); highest among the groups gnomAD compares: East Asian, 22%; 1,065 homozygotes.

Submission:

GeneDx
Classification: Benign. Last evaluated: 2018-06-19. Review status: criteria provided, single submitter. Criteria: GeneDx Variant Classification (06012015). Collection method: clinical testing. Allele origin: germline. Affected: yes.
Comment: This variant is considered likely benign or benign based on one or more of the following criteria: it is a conservative change, it occurs at a poorly conserved position in the protein, it is predicted to be benign by multiple in silico algorithms, and/or has population frequency not consistent with disease.

NM_001103.4(ACTN2):c.698-1428C>T

Gene: ACTN2 (actinin alpha 2; plus strand). Cytogenetic location: 1q43.
Variant type: single nucleotide variant.
Coding change: c.698-1428C>T on transcript NM_001103.4 (MANE Select); 1428 bases into the intron before coding-DNA position 698, C replaced by T.
Molecular consequence: intron variant.
Genome position (GRCh38, 1-based): chr1:236,734,207, C>T. VCF-style: chr1-236734207-C-T. GRCh37 (hg19) VCF-style: chr1-236897507-C-T.
Other names: c.-124-226C>T (NM_001278344.2); c.698-226C>T (NM_001278343.2).
Identifiers: ClinVar variation 678438 (VCV000678438.1), dbSNP rs12569148, ClinGen allele CA39721253.